The following is an entry in ClinVar:

ClinVar aggregate classification (germline): Pathogenic (1 of 4 stars; one submission).

Conditions:
Cystic fibrosis (CF). Also called: MUCOVISCIDOSIS. Identifiers: Orphanet 586, MedGen C0010674, MONDO:0009061, OMIM 219700. Disease mechanism: loss of function.

Submission:

Labcorp Genetics (formerly Invitae), Labcorp
Classification: Pathogenic for Cystic fibrosis. Last evaluated: 2023-06-07. Review status: criteria provided, single submitter. Criteria: Invitae Variant Classification Sherloc (09022015). Collection method: clinical testing. Allele origin: unknown.
Comment: For these reasons, this variant has been classified as Pathogenic. This variant disrupts a region of the CFTR protein in which other variant(s) (p.Arg851Leu) have been determined to be pathogenic (PMID: 9598638, 20167849, 27086061). This suggests that this is a clinically significant region of the protein, and that variants that disrupt it are likely to be disease-causing. This variant has not been reported in the literature in individuals affected with CFTR-related conditions. This variant results in the deletion of exon 15 and part of exon 14 (c.2424_2620-2795del) of the CFTR gene. It is expected to disrupt RNA splicing. Variants that disrupt the donor or acceptor splice site typically lead to a loss of protein function (PMID: 16199547), and loss-of-function variants in CFTR are known to be pathogenic (PMID: 1695717, 7691345, 9725922).

Literature cited by the submitters: PubMed 9598638; PubMed 20167849; PubMed 27086061; PubMed 16199547; PubMed 1695717; PubMed 7691345; PubMed 9725922.

NC_000007.13:g.(?_117232645)_(117240085_?)del

Gene: CFTR (CF transmembrane conductance regulator; plus strand). Cytogenetic location: 7q31.2.
Variant type: Deletion.
Identifiers: ClinVar variation 3245691 (VCV003245691.1).